The following is an entry in ClinVar:

ClinVar aggregate classification (germline): Uncertain significance. Review status: criteria provided, multiple submitters, no conflicts (2 of 4 stars). 3 submissions from 3 submitters: Uncertain significance (3). Last evaluated 2026-03-05.

Submissions (3):

Dasa
Classification: Uncertain significance. Last evaluated: 2026-03-05. Review status: criteria provided, single submitter. Criteria: DASA Assertion Criteria. Collection method: clinical testing. Allele origin: germline.
Comment: NM_006899.5(IDH3B):c.590T>C (p.Ile197Thr) is a missense variant that results in the substitution of isoleucine with threonine. This variant is absent from population databases. Computational prediction algorithms are consistent with a deleterious effect. The currently available literature and clinical evidence are not sufficient to establish a definitive association between this variant and the reported condition. Therefore, this variant is classified as a variant of uncertain significance.

Ambry Genetics
Classification: Uncertain significance. Last evaluated: 2025-11-20. Review status: criteria provided, single submitter. Criteria: Ambry Variant Classification Scheme 2023. Collection method: clinical testing. Allele origin: germline.

Labcorp Genetics (formerly Invitae), Labcorp
Classification: Uncertain significance. Last evaluated: 2020-01-02. Review status: criteria provided, single submitter. Criteria: Invitae Variant Classification Sherloc (09022015). Collection method: clinical testing. Allele origin: germline.
Comment: In summary, the available evidence is currently insufficient to determine the role of this variant in disease. Therefore, it has been classified as a Variant of Uncertain Significance. Algorithms developed to predict the effect of missense changes on protein structure and function are either unavailable or do not agree on the potential impact of this missense change (SIFT: "Not Available"; PolyPhen-2: "Probably Damaging"; Align-GVGD: "Not Available"). This variant has not been reported in the literature in individuals with IDH3B-related conditions. This variant is not present in population databases (ExAC no frequency). This sequence change replaces isoleucine with threonine at codon 197 of the IDH3B protein (p.Ile197Thr). The isoleucine residue is highly conserved and there is a moderate physicochemical difference between isoleucine and threonine.

NM_006899.5(IDH3B):c.590T>C (p.Ile197Thr)

Gene: IDH3B (isocitrate dehydrogenase (NAD(+)) 3 non-catalytic subunit beta; minus strand). Cytogenetic location: 20p13.
Variant type: single nucleotide variant.
Coding change: c.590T>C on transcript NM_006899.5 (MANE Select); coding-DNA position 590, T replaced by C.
Protein change: p.Ile197Thr; replaces isoleucine 197 with threonine.
Molecular consequence: missense variant. On other transcripts: non-coding transcript variant (1).
Genome position (GRCh38, 1-based): chr20:2,660,532, A>G on the plus strand (T>C on the coding strand, the complement: IDH3B is on the minus strand). VCF-style: chr20-2660532-A-G. GRCh37 (hg19) VCF-style: chr20-2641178-A-G.
Other names: c.590T>C, p.Ile197Thr (NM_001258384.3, NM_001330763.2, NM_174855.4); c.590T>C (NM_006899.2); short protein forms I197T.
Identifiers: ClinVar variation 1034655 (VCV001034655.10), dbSNP rs1444044974, ClinGen allele CA408037579.